The following is an entry in ClinVar:

NM_032447.5(FBN3):c.4525G>A (p.Glu1509Lys)

Gene: FBN3 (fibrillin 3; minus strand). Cytogenetic location: 19p13.2.
Variant type: single nucleotide variant.
Coding change: c.4525G>A on transcript NM_032447.5 (MANE Select); coding-DNA position 4525, G replaced by A.
Protein change: p.Glu1509Lys; replaces glutamic acid 1509 with lysine.
Molecular consequence: missense variant.
Genome position (GRCh38, 1-based): chr19:8,109,320, C>T on the plus strand (G>A on the coding strand, the complement: FBN3 is on the minus strand). VCF-style: chr19-8109320-C-T. GRCh37 (hg19) VCF-style: chr19-8174204-C-T.
Other names: c.4525G>A, p.Glu1509Lys (NM_001321431.2); short protein forms E1509K.
Identifiers: ClinVar variation 4255521 (VCV004255521.2).

ClinVar aggregate classification (germline): Uncertain significance. Review status: criteria provided, multiple submitters, no conflicts (2 of 4 stars). 2 submissions from 2 submitters: Uncertain significance (2). Last evaluated 2025-08-28.

gnomAD v4.1: 16 of 1,614,178 alleles (0.00099%); highest among the groups gnomAD compares: Middle Eastern, 0.049%; no homozygotes.

Submissions (2):

Ambry Genetics
Classification: Uncertain significance. Last evaluated: 2025-08-28. Review status: criteria provided, single submitter. Criteria: Ambry Variant Classification Scheme 2023. Collection method: clinical testing. Allele origin: germline.

Labcorp Genetics (formerly Invitae), Labcorp
Classification: Uncertain significance. Last evaluated: 2025-08-10. Review status: criteria provided, single submitter. Criteria: Invitae Variant Classification Sherloc (09022015). Collection method: clinical testing. Allele origin: germline.
Comment: This sequence change replaces glutamic acid, which is acidic and polar, with lysine, which is basic and polar, at codon 1509 of the FBN3 protein (p.Glu1509Lys). This variant is present in population databases (rs530967934, gnomAD 0.005%). This variant has not been reported in the literature in individuals affected with FBN3-related conditions. Invitae Evidence Modeling of protein sequence and biophysical properties (such as structural, functional, and spatial information, amino acid conservation, physicochemical variation, residue mobility, and thermodynamic stability) indicates that this missense variant is not expected to disrupt FBN3 protein function with a negative predictive value of 80%. In summary, the available evidence is currently insufficient to determine the role of this variant in disease. Therefore, it has been classified as a Variant of Uncertain Significance.